The following is an entry in ClinVar:

ClinVar aggregate classification (germline): Uncertain significance (1 of 4 stars; one submission).

Submission:

Ambry Genetics
Classification: Uncertain significance. Last evaluated: 2023-03-23. Review status: criteria provided, single submitter. Criteria: Ambry Variant Classification Scheme 2023. Collection method: clinical testing. Allele origin: germline.
Comment: The p.N248Y variant (also known as c.742A>T), located in coding exon 9 of the NPAT gene, results from an A to T substitution at nucleotide position 742. The asparagine at codon 248 is replaced by tyrosine, an amino acid with dissimilar properties. This amino acid position is conserved. In addition, the in silico prediction for this alteration is inconclusive. Since supporting evidence is limited at this time, the clinical significance of this alteration remains unclear.

NM_002519.3(NPAT):c.742A>T (p.Asn248Tyr)

Gene: NPAT (nuclear protein, coactivator of histone transcription; minus strand). Cytogenetic location: 11q22.3.
Variant type: single nucleotide variant.
Coding change: c.742A>T on transcript NM_002519.3 (MANE Select); coding-DNA position 742, A replaced by T.
Protein change: p.Asn248Tyr; replaces asparagine 248 with tyrosine.
Molecular consequence: missense variant.
Genome position (GRCh38, 1-based): chr11:108,185,479, T>A on the plus strand (A>T on the coding strand, the complement: NPAT is on the minus strand). VCF-style: chr11-108185479-T-A. GRCh37 (hg19) VCF-style: chr11-108056206-T-A.
Other names: c.742A>T, p.Asn248Tyr (NM_001321307.1); short protein forms N248Y.
Identifiers: ClinVar variation 2567958 (VCV002567958.2), dbSNP rs2496738186, ClinGen allele CA382521412.